The following is an entry in ClinVar:

NM_000257.4(MYH7):c.1633G>A (p.Asp545Asn)

Gene: MYH7 (myosin heavy chain 7; minus strand). Cytogenetic location: 14q11.2.
Variant type: single nucleotide variant.
Coding change: c.1633G>A on transcript NM_000257.4 (MANE Select); coding-DNA position 1633, G replaced by A.
Protein change: p.Asp545Asn; replaces aspartic acid 545 with asparagine.
Molecular consequence: missense variant.
Genome position (GRCh38, 1-based): chr14:23,427,840, C>T on the plus strand (G>A on the coding strand, the complement: MYH7 is on the minus strand). VCF-style: chr14-23427840-C-T. GRCh37 (hg19) VCF-style: chr14-23897049-C-T.
Other names: p.Asp545Asn; c.1633G>A (LRG_384t1); short protein forms D545N.
Identifiers: ClinVar variation 264607 (VCV000264607.25), dbSNP rs564101364, ClinGen allele CA10587778.

ClinVar aggregate classification (germline): Conflicting classifications of pathogenicity. Review status: criteria provided, conflicting classifications (1 of 4 stars). 10 submissions from 10 submitters: Likely pathogenic (1); Uncertain significance (6). 3 of the submissions do not count toward it. Last evaluated 2026-01-27.

Conditions:
Cardiovascular phenotype. Identifiers: MedGen CN230736.
Cardiomyopathy (CMYO). Also called: Cardiomyopathies. Identifiers: Orphanet 167848, MedGen C0878544, MONDO:0004994, HP:0001638. Inheritance: Various modes of inheritance.
Dilated cardiomyopathy 1S (CMD1S). Identifiers: Orphanet 154, Orphanet 54260, MedGen C1834481, MONDO:0013262, OMIM 613426.
Hypertrophic cardiomyopathy. Also called: HYPERTROPHIC MYOCARDIOPATHY. Identifiers: Orphanet 217569, MedGen C0007194, MeSH D002312, MONDO:0005045, HP:0001639.

Allele frequency attached by ClinVar (database versions not stated): TOPMed below 0.00001; gnomAD 0.00001; gnomAD exomes 0.00001.
gnomAD v4.1: 14 of 1,614,028 alleles (0.00087%); highest among the groups gnomAD compares: Admixed American, 0.0017%; no homozygotes.

Submissions (10):

Labcorp Genetics (formerly Invitae), Labcorp
Classification: Uncertain significance for Hypertrophic cardiomyopathy. Last evaluated: 2026-01-27. Review status: criteria provided, single submitter. Criteria: Invitae Variant Classification Sherloc (09022015). Collection method: clinical testing. Allele origin: germline.
Comment: This sequence change replaces aspartic acid, which is acidic and polar, with asparagine, which is neutral and polar, at codon 545 of the MYH7 protein (p.Asp545Asn). This variant is present in population databases (rs564101364, gnomAD 0.002%). This missense change has been observed in individual(s) with dilated cardiomyopathy and/or left ventricular non-compaction cardiomyopathy (PMID: 17947214, 20965760, 23349452, 30847666). ClinVar contains an entry for this variant (Variation ID: 264607). Invitae Evidence Modeling of protein sequence and biophysical properties (such as structural, functional, and spatial information, amino acid conservation, physicochemical variation, residue mobility, and thermodynamic stability) indicates that this missense variant is expected to disrupt MYH7 protein function with a positive predictive value of 95%. In summary, the available evidence is currently insufficient to determine the role of this variant in disease. Therefore, it has been classified as a Variant of Uncertain Significance.

Color Diagnostics, LLC DBA Color Health
Classification: Uncertain significance for Cardiomyopathy. Last evaluated: 2025-01-27. Review status: criteria provided, single submitter. Criteria: ACMG Guidelines, 2015. Collection method: clinical testing. Allele origin: germline.
Comment: This missense variant replaces aspartic acid with asparagine at codon 545 of the MYH7 protein. Computational prediction suggests that this variant may have a deleterious impact on protein structure and function. To our knowledge, functional studies have not been reported for this variant. This variant has been reported in cis with p.Asp955Asn in multiple unrelated individuals affected with non-compaction cardiomyopathy (PMID: 17947214, 29447731, 30847666, 31771441). In one family, this variant was reported in 5 related individuals affected with non-compaction cardiomyopathy (PMID: 17947214); unaffected family members were not genotyped in this study. The double mutant allele has also been reported in four unrelated individuals affected with dilated cardiomyopathy (PMID: 23349452, 25332820, 35877578) and in two unrelated individuals affected with left ventricular noncompaction (PMID: 20965760, 27066506). This variant has been identified in 2/251434 chromosomes in the general population by the Genome Aggregation Database (gnomAD). The available evidence is insufficient to determine the role of this variant in disease conclusively. Therefore, this variant is classified as a Variant of Uncertain Significance.

Blueprint Genetics
Classification: Uncertain significance. Last evaluated: 2023-10-12. Review status: criteria provided, single submitter. Criteria: ACMG Guidelines, 2015. Collection method: clinical testing. Allele origin: germline.

Mayo Clinic Laboratories, Mayo Clinic
Classification: Uncertain significance. Last evaluated: 2023-06-15. Review status: criteria provided, single submitter. Criteria: ACMG Guidelines, 2015. Collection method: clinical testing. Allele origin: germline. Observed: 1 variant allele.
Comment: PP3, PM1, PM2_supporting

Ambry Genetics
Classification: Likely pathogenic for Cardiovascular phenotype. Last evaluated: 2022-07-14. Review status: criteria provided, single submitter. Criteria: Ambry Variant Classification Scheme 2023. Collection method: clinical testing. Allele origin: germline.
Comment: The p.D545N variant (also known as c.1633G>A), located in coding exon 14 of the MYH7 gene, results from a G to A substitution at nucleotide position 1633. The aspartic acid at codon 545 is replaced by asparagine, an amino acid with some highly similar properties. This variant along with MYH7 p.D955N in cis reportedly co-segregated with disease in families with dilated cardiomyopathy and left ventricular non-compaction (LVNC) (Hoedemaekers YM et al. Eur Heart J. 2007;28(22):2732-7; van den Berg MP et al. Eur J Heart Fail. 2010;12(12):1297-9). Both p.D545N and p.D955N were detected in another LVNC cohort; however, additional details were limited (Chang B. Mol Genet Metab. 2011 Feb;102(2):200-6). This amino acid position is highly conserved in available vertebrate species. In addition, the in silico prediction for this alteration is inconclusive. Based on the majority of available evidence to date, this variant is likely to be pathogenic when in cis with MYH7 p.D955N; however, the clinical significance of the p.D545N variant alone is unclear.

Victorian Clinical Genetics Services, Murdoch Childrens Research Institute
Classification: Uncertain significance for Dilated cardiomyopathy 1S. Last evaluated: 2022-02-02. Review status: criteria provided, single submitter. Criteria: ACMG Guidelines, 2015. Collection method: clinical testing. Allele origin: germline. Inheritance: Autosomal dominant inheritance. Affected: yes.
Comment: Based on the classification scheme VCGS_Germline_v1.3.4, this variant is classified as VUS-3B. Following criteria are met: 0105 - The mechanism of disease for this gene is not clearly established, however, missense variants have been proposed to act in a dominant negative manner (PMID: 24714796). (I) 0108 - This gene is associated with both recessive and dominant disease. Pathogenic variants in this gene are usually heterozygous, however a recessive inheritance pattern has been observed in severe cases (OMIM). (I) 0112 - The condition associated with this gene has incomplete penetrance (PMID: 29300372). (I) 0200 - Variant is predicted to result in a missense amino acid change from aspartic acid to asparagine. (I) 0251 - This variant is heterozygous. (I) 0304 - Variant is present in gnomAD (v2) <0.01 for a condition (2 heterozygotes, 0 homozygotes). (SP) 0501 - Missense variant consistently predicted to be damaging by multiple in silico tools or highly conserved with a major amino acid change. (SP) 0602 - Variant is located in a hotspot region or cluster of pathogenic variants. This variant is found within the head region, which is enriched with pathogenic missense variants (PMID: 29300372). (SP) 0705 - No comparable missense variants have previous evidence for pathogenicity. (I) 0802 - This variant has moderate previous evidence of pathogenicity in unrelated individuals. This variant, in cis with MYH7 p.D955N, has been reported in families with dilated cardiomyopathy and left ventricular non-compaction (PMID: 17947214, 23349452). It is also reported as VUS, likely pathogenic and pathogenic in ClinVar. (SP) 0903 - This variant has limited evidence for segregation with disease. This variant and MYH7 p.D955N have been shown to segregate in cis with disease in one family (PMID: 17947214). (SP) 1007 - No published functional evidence has been identified for this variant. (I) Legend: (SP) - Supporting pathogenic, (I) - Information, (SB) - Supporting benign

AiLife Diagnostics
Classification: Uncertain significance. Last evaluated: 2021-06-30. Review status: criteria provided, single submitter. Criteria: ACMG Guidelines, 2015. Collection method: clinical testing. Allele origin: germline. Affected: yes. Observed: 1 variant allele.

Clinical Genetics DNA and cytogenetics Diagnostics Lab, Erasmus MC, Erasmus Medical Center
Classification: Pathogenic. Review status: no assertion criteria provided. Collection method: clinical testing. Allele origin: germline. Affected: yes. Study: VKGL Data-share Consensus. Not counted in ClinVar's aggregate classification.

Clinical Genetics, Academic Medical Center
Classification: Pathogenic. Review status: no assertion criteria provided. Collection method: clinical testing. Allele origin: germline. Affected: yes. Study: VKGL Data-share Consensus. Not counted in ClinVar's aggregate classification.

Diagnostic Laboratory, Department of Genetics, University Medical Center Groningen
Classification: Pathogenic. Review status: no assertion criteria provided. Collection method: clinical testing. Allele origin: germline. Affected: yes. Study: VKGL Data-share Consensus. Not counted in ClinVar's aggregate classification.

Literature cited by the submitters: PubMed 17947214 (cited by 6 submitters); PubMed 20965760 (cited by 3 submitters); PubMed 23349452 (cited by 5 submitters); PubMed 30847666 (cited by Labcorp Genetics (formerly Invitae), Labcorp and Color Diagnostics, LLC DBA Color Health); PubMed 25332820 (cited by Color Diagnostics, LLC DBA Color Health and Mayo Clinic Laboratories, Mayo Clinic); PubMed 27066506 (cited by 3 submitters); PubMed 29447731 (cited by 4 submitters); PubMed 31771441 (cited by Color Diagnostics, LLC DBA Color Health); PubMed 35877578 (cited by Color Diagnostics, LLC DBA Color Health); PubMed 20952769 (cited by Mayo Clinic Laboratories, Mayo Clinic and Ambry Genetics); PubMed 34542152 (cited by Mayo Clinic Laboratories, Mayo Clinic); PubMed 24714796 (cited by Victorian Clinical Genetics Services, Murdoch Childrens Research Institute); PubMed 29300372 (cited by Victorian Clinical Genetics Services, Murdoch Childrens Research Institute).